The following is an entry in ClinVar:

ClinVar aggregate classification (germline): Uncertain significance (1 of 4 stars; one submission).

Allele frequency attached by ClinVar (database versions not stated): gnomAD exomes below 0.00001.
gnomAD v4.1: 1 of 1,614,138 alleles (0.000062%); highest among the groups gnomAD compares: Non-Finnish European, 0.000085%; no homozygotes.

Submission:

Labcorp Genetics (formerly Invitae), Labcorp
Classification: Uncertain significance. Last evaluated: 2022-06-14. Review status: criteria provided, single submitter. Criteria: Invitae Variant Classification Sherloc (09022015). Collection method: clinical testing. Allele origin: germline.
Comment: In summary, the available evidence is currently insufficient to determine the role of this variant in disease. Therefore, it has been classified as a Variant of Uncertain Significance. Algorithms developed to predict the effect of missense changes on protein structure and function are either unavailable or do not agree on the potential impact of this missense change (SIFT: "Tolerated"; PolyPhen-2: "Possibly Damaging"; Align-GVGD: "Class C0"). This variant has not been reported in the literature in individuals affected with RP1-related conditions. This variant is not present in population databases (gnomAD no frequency). This sequence change replaces cysteine, which is neutral and slightly polar, with phenylalanine, which is neutral and non-polar, at codon 1315 of the RP1 protein (p.Cys1315Phe).

NM_006269.2(RP1):c.3944G>T (p.Cys1315Phe)

Gene: RP1 (RP1 axonemal microtubule associated; plus strand). Cytogenetic location: 8q12.1.
Variant type: single nucleotide variant.
Coding change: c.3944G>T on transcript NM_006269.2 (MANE Select); coding-DNA position 3944, G replaced by T.
Protein change: p.Cys1315Phe; replaces cysteine 1315 with phenylalanine.
Molecular consequence: missense variant. On other transcripts: intron variant (1).
Genome position (GRCh38, 1-based): chr8:54,627,826, G>T. VCF-style: chr8-54627826-G-T. GRCh37 (hg19) VCF-style: chr8-55540386-G-T.
Other names: c.787+5538G>T (NM_001375654.1); short protein forms C1315F.
Identifiers: ClinVar variation 2006209 (VCV002006209.4), dbSNP rs2129317379, ClinGen allele CA370980770.